The following is an entry in ClinVar:

ClinVar aggregate classification (germline): Uncertain significance (1 of 4 stars; one submission).

Conditions:
Inborn genetic diseases. Identifiers: MedGen C0950123, MeSH D030342.

Allele frequency attached by ClinVar (database versions not stated): gnomAD exomes below 0.00001.
gnomAD v4.1: 2 of 1,613,944 alleles (0.00012%); highest among the groups gnomAD compares: Non-Finnish European, 0.00017%; no homozygotes.

Submission:

Ambry Genetics
Classification: Uncertain significance for Inborn genetic diseases. Last evaluated: 2021-07-23. Review status: criteria provided, single submitter. Criteria: Ambry Variant Classification Scheme 2023. Collection method: clinical testing. Allele origin: germline.
Comment: The p.I2012V variant (also known as c.6034A>G), located in coding exon 41 of the LRRK2 gene, results from an A to G substitution at nucleotide position 6034. The isoleucine at codon 2012 is replaced by valine, an amino acid with highly similar properties. This amino acid position is conserved. In addition, the in silico prediction for this alteration is inconclusive. Since supporting evidence is limited at this time, the clinical significance of this alteration remains unclear.

NM_198578.4(LRRK2):c.6034A>G (p.Ile2012Val)

Gene: LRRK2 (leucine rich repeat kinase 2; plus strand). Cytogenetic location: 12q12.
Variant type: single nucleotide variant.
Coding change: c.6034A>G on transcript NM_198578.4 (MANE Select); coding-DNA position 6034, A replaced by G.
Protein change: p.Ile2012Val; replaces isoleucine 2012 with valine.
Molecular consequence: missense variant.
Genome position (GRCh38, 1-based): chr12:40,340,379, A>G. VCF-style: chr12-40340379-A-G. GRCh37 (hg19) VCF-style: chr12-40734181-A-G.
Other names: short protein forms I2012V.
Identifiers: ClinVar variation 1751196 (VCV001751196.2), dbSNP rs2499948149, ClinGen allele CA384403890.